The following is an entry in ClinVar:

NM_005052.3(RAC3):c.520C>T (p.Arg174Cys)

Gene: RAC3 (Rac family small GTPase 3; plus strand). Cytogenetic location: 17q25.3.
Variant type: single nucleotide variant.
Coding change: c.520C>T on transcript NM_005052.3 (MANE Select); coding-DNA position 520, C replaced by T.
Protein change: p.Arg174Cys; replaces arginine 174 with cysteine.
Molecular consequence: missense variant. On other transcripts: 3 prime UTR variant (1).
Genome position (GRCh38, 1-based): chr17:82,033,770, C>T. VCF-style: chr17-82033770-C-T. GRCh37 (hg19) VCF-style: chr17-79991646-C-T.
Other names: c.*11C>T (NM_001316307.2); short protein forms R174C.
Identifiers: ClinVar variation 3381328 (VCV003381328.3).

ClinVar aggregate classification (germline): Uncertain significance. Review status: criteria provided, multiple submitters, no conflicts (2 of 4 stars). 2 submissions from 2 submitters: Uncertain significance (2). Last evaluated 2025-12-23.

Conditions:
Neurodevelopmental disorder with structural brain anomalies and dysmorphic facies (NEDBAF). Identifiers: Orphanet 659609, MedGen C5231416, MONDO:0032820, OMIM 618577.

gnomAD v4.1: 1 of 1,612,668 alleles (0.000062%); highest among the groups gnomAD compares: Non-Finnish European, 0.000085%; no homozygotes.

Submissions (2):

Victorian Clinical Genetics Services, Murdoch Childrens Research Institute
Classification: Uncertain significance for Neurodevelopmental disorder with structural brain anomalies and dysmorphic facies. Last evaluated: 2025-12-23. Review status: criteria provided, single submitter. Criteria: ACMG Guidelines, 2015. Collection method: clinical testing. Allele origin: germline. Affected: yes.
Comment: This variant is classified as VUS-3A. Evidence in support of pathogenic classification: Variant is present in gnomAD <0.001 for a dominant condition (v4: 1 heterozygote(s), 0 homozygote(s)); Missense variant predicted to be damaging by in silico tool(s) or highly conserved with a major amino acid change; Additional information: Variant is predicted to result in a missense amino acid change from Arg to Cys; This variant is non-coding in an alternative transcript. This variant is coding in the MANE select transcript; however, it is non-coding in another transcript with similar levels of expression in GTEx. There are no pathogenic ClinVar variants present in this exon; This variant is heterozygous; This gene is associated with autosomal dominant disease; Alternative amino acid change(s) at the same position are present in gnomAD (highest allele count: v4: 2 heterozygote(s), 0 homozygote(s)); Previous evidence of pathogenicity for this variant is inconclusive. This variant has been classified as a VUS by a clinical laboratory in ClinVar; No published evidence of segregation with disease has been identified for this variant; No published functional evidence has been identified for this variant; Another missense variant comparable to the one identified in this case has inconclusive previous evidence for pathogenicity. p.(Arg174His) has been classified as a VUS by a clinical laboratory in ClinVar; Variant is located in the annotated ras family domain (DECIPHER) - Gain of function is a known mechanism of disease in this gene and is associated with neurodevelopmental disorder with structural brain anomalies and dysmorphic facies (MIM#618577).

GeneDx
Classification: Uncertain significance. Last evaluated: 2025-08-18. Review status: criteria provided, single submitter. Criteria: GeneDx Variant Classification Process June 2021. Collection method: clinical testing. Allele origin: germline.
Comment: Not observed at significant frequency in large population cohorts (gnomAD); In silico analysis supports that this missense variant has a deleterious effect on protein structure/function; Has not been previously published as pathogenic or benign to our knowledge